The following is an entry in ClinVar:

ClinVar aggregate classification (germline): Uncertain significance. Review status: criteria provided, multiple submitters, no conflicts (2 of 4 stars). 2 submissions from 2 submitters: Uncertain significance (2). Last evaluated 2025-02-24.

Conditions:
Nicolaides-Baraitser syndrome (NCBRS). Also called: SMARCA2-Related Nicolaides-Baraitser Syndrome; Intellectual disability-sparse hair-brachydactyly syndrome. Identifiers: Orphanet 3051, MedGen C1303073, MONDO:0011053, OMIM 601358.

Allele frequency attached by ClinVar (database versions not stated): gnomAD exomes below 0.00001.
gnomAD v4.1: 3 of 1,614,220 alleles (0.00019%); highest among the groups gnomAD compares: South Asian, 0.0011%; no homozygotes.

Submissions (2):

Labcorp Genetics (formerly Invitae), Labcorp
Classification: Uncertain significance. Last evaluated: 2025-02-24. Review status: criteria provided, single submitter. Criteria: Invitae Variant Classification Sherloc (09022015). Collection method: clinical testing. Allele origin: germline.
Comment: This sequence change replaces valine, which is neutral and non-polar, with leucine, which is neutral and non-polar, at codon 1566 of the SMARCA2 protein (p.Val1566Leu). This variant is not present in population databases (gnomAD no frequency). This variant has not been reported in the literature in individuals affected with SMARCA2-related conditions. ClinVar contains an entry for this variant (Variation ID: 1342463). Invitae Evidence Modeling of protein sequence and biophysical properties (such as structural, functional, and spatial information, amino acid conservation, physicochemical variation, residue mobility, and thermodynamic stability) indicates that this missense variant is not expected to disrupt SMARCA2 protein function with a negative predictive value of 80%. In summary, the available evidence is currently insufficient to determine the role of this variant in disease. Therefore, it has been classified as a Variant of Uncertain Significance.

New York Genome Center
Classification: Uncertain significance for Nicolaides-Baraitser syndrome. Last evaluated: 2021-03-02. Review status: criteria provided, single submitter. Criteria: NYGC Assertion Criteria 2020. Collection method: clinical testing. Allele origin: germline. Observed: 1 heterozygote. Study: CSER-NYCKidSeq.
Comment: The c.4696G>C, (p.Val1566Leu) missense variant in exon 33 of 34 of SMARCA2 has not been reported in affected individuals in the available literature. The variant is absent in gnomAD v3 and gnomAD v2 indicating it is not a common benign variant in the populations represented in these databases. In silico predictors suggest this variant is benign (REVEL; score: 0.164) and damaging(SIFT; score: 0.004). Given the lack of inheritance data and functional studies supporting its pathogenicity, the c.4696G>C, (p.Val1566Leu) variant identified in the SMARCA2 gene is reported as a Variant of Uncertain Significance.

NM_003070.5(SMARCA2):c.4696G>C (p.Val1566Leu)

Gene: SMARCA2 (SWI/SNF related BAF chromatin remodeling complex subunit ATPase 2; plus strand). Cytogenetic location: 9p24.3.
Variant type: single nucleotide variant.
Coding change: c.4696G>C on transcript NM_003070.5 (MANE Select); coding-DNA position 4696, G replaced by C.
Protein change: p.Val1566Leu; replaces valine 1566 with leucine.
Molecular consequence: missense variant.
Genome position (GRCh38, 1-based): chr9:2,191,367, G>C. VCF-style: chr9-2191367-G-C. GRCh37 (hg19) VCF-style: chr9-2191367-G-C.
Other names: c.4696G>C, p.Val1566Leu (NM_001289396.2); c.4468G>C, p.Val1490Leu (NM_001289397.2); c.670G>C, p.Val224Leu (NM_001289398.2); c.754G>C, p.Val252Leu (NM_001289399.2); c.760G>C, p.Val254Leu (NM_001289400.2); c.4642G>C, p.Val1548Leu (NM_139045.4); short protein forms V1490L, V1548L, V1566L, V224L, V252L, V254L.
Identifiers: ClinVar variation 1342463 (VCV001342463.4), dbSNP rs1827870545, ClinGen allele CA372792808.